The following is an entry in ClinVar:

NM_001369.3(DNAH5):c.1321-2A>G

Gene: DNAH5 (dynein axonemal heavy chain 5; minus strand). Cytogenetic location: 5p15.2.
Variant type: single nucleotide variant.
Coding change: c.1321-2A>G on transcript NM_001369.3 (MANE Select); the canonical splice acceptor site of the intron before coding-DNA position 1321, A replaced by G.
Molecular consequence: splice acceptor variant.
Genome position (GRCh38, 1-based): chr5:13,913,960, T>C on the plus strand (A>G on the coding strand, the complement: DNAH5 is on the minus strand). VCF-style: chr5-13913960-T-C. GRCh37 (hg19) VCF-style: chr5-13914069-T-C.
Identifiers: ClinVar variation 1066563 (VCV001066563.15), dbSNP rs2151981226, ClinGen allele CA359214666.
Genomic context (GRCh38, chr5:13,913,960, plus strand): 5'-TTTGCATTTGGATTTTGTTTAAGCTTTTGTTTTGTCTTGTGAAAGCAGAGCTGGTATTCC[T>C]TAAAATCAAAAGAAAAATATACAACAAAGGGAACAAGAAAGGTATCAACTTTATTTTCTT-3'

ClinVar aggregate classification (germline): Likely pathogenic (1 of 4 stars; one submission).

Conditions:
Primary ciliary dyskinesia. Also called: Ciliary dyskinesia. Identifiers: Orphanet 244, MedGen C0008780, MONDO:0016575, HP:0012265.

gnomAD v4.1: 1 of 1,612,394 alleles (0.000062%); highest among the groups gnomAD compares: East Asian, 0.0022%; no homozygotes.

Submission:

Labcorp Genetics (formerly Invitae), Labcorp
Classification: Likely pathogenic for Primary ciliary dyskinesia. Last evaluated: 2021-08-30. Review status: criteria provided, single submitter. Criteria: Invitae Variant Classification Sherloc (09022015). Collection method: clinical testing. Allele origin: germline.
Comment: This sequence change affects an acceptor splice site in intron 10 of the DNAH5 gene. It is expected to disrupt RNA splicing and likely results in an absent or disrupted protein product. This variant is not present in population databases (ExAC no frequency). This variant has not been reported in the literature in individuals with DNAH5-related conditions. Algorithms developed to predict the effect of sequence changes on RNA splicing suggest that this variant may disrupt the consensus splice site, but this prediction has not been confirmed by published transcriptional studies. Donor and acceptor splice site variants typically lead to a loss of protein function (PMID: 16199547), and loss-of-function variants in DNAH5 are known to be pathogenic (PMID: 11788826, 16627867). In summary, the currently available evidence indicates that the variant is pathogenic, but additional data are needed to prove that conclusively. Therefore, this variant has been classified as Likely Pathogenic.

Literature cited by the submitters: PubMed 16199547; PubMed 11788826; PubMed 16627867.